The following is an entry in ClinVar:

ClinVar aggregate classification (germline): Uncertain significance. Review status: criteria provided, multiple submitters, no conflicts (2 of 4 stars). 3 submissions from 3 submitters: Uncertain significance (3). Last evaluated 2025-02-06.

Conditions:
Inborn genetic diseases. Identifiers: MedGen C0950123, MeSH D030342.

Allele frequency attached by ClinVar (database versions not stated): gnomAD exomes below 0.00001 and 0.00001.
gnomAD v4.1: 15 of 1,612,806 alleles (0.00093%); highest among the groups gnomAD compares: Non-Finnish European, 0.0012%; no homozygotes.

Submissions (3):

Ambry Genetics
Classification: Uncertain significance for Inborn genetic diseases. Last evaluated: 2025-02-06. Review status: criteria provided, single submitter. Criteria: Ambry Variant Classification Scheme 2023. Collection method: clinical testing. Allele origin: germline.

Labcorp Genetics (formerly Invitae), Labcorp
Classification: Uncertain significance. Last evaluated: 2024-06-02. Review status: criteria provided, single submitter. Criteria: Invitae Variant Classification Sherloc (09022015). Collection method: clinical testing. Allele origin: germline.
Comment: This sequence change replaces valine, which is neutral and non-polar, with glutamic acid, which is acidic and polar, at codon 1543 of the TTC37 protein (p.Val1543Glu). This variant is not present in population databases (gnomAD no frequency). This variant has not been reported in the literature in individuals affected with TTC37-related conditions. ClinVar contains an entry for this variant (Variation ID: 1427350). An algorithm developed to predict the effect of missense changes on protein structure and function (PolyPhen-2) suggests that this variant is likely to be tolerated. In summary, the available evidence is currently insufficient to determine the role of this variant in disease. Therefore, it has been classified as a Variant of Uncertain Significance.

Blueprint Genetics
Classification: Uncertain significance. Last evaluated: 2022-07-26. Review status: criteria provided, single submitter. Criteria: ACMG Guidelines, 2015. Collection method: clinical testing. Allele origin: germline.

NM_014639.4(SKIC3):c.4628T>A (p.Val1543Glu)

Gene: SKIC3 (SKI3 subunit of superkiller complex; minus strand). Cytogenetic location: 5q15.
Variant type: single nucleotide variant.
Coding change: c.4628T>A on transcript NM_014639.4 (MANE Select); coding-DNA position 4628, T replaced by A.
Protein change: p.Val1543Glu; replaces valine 1543 with glutamic acid.
Molecular consequence: missense variant.
Genome position (GRCh38, 1-based): chr5:95,464,674, A>T on the plus strand (T>A on the coding strand, the complement: SKIC3 is on the minus strand). VCF-style: chr5-95464674-A-T. GRCh37 (hg19) VCF-style: chr5-94800378-A-T.
Other names: c.4628T>A (NM_014639.3); short protein forms V1543E.
Identifiers: ClinVar variation 1427350 (VCV001427350.7), dbSNP rs930946111, ClinGen allele CA122859404.
Genomic context (GRCh38, chr5:95,464,674, plus strand): 5'-GAGGACAATCTCTGATTCAGTTCCAATGCTCTTGTATCTCCATGAGTTTTGGCATTGTTT[A>T]CCAGCACCTATGGGAAATCACATACAGGAACGTCAGTATTTTGTTTATTAACAATATCTA-3'
Protein context (NP_055454.1, residues 1533-1553): KDDYELIDVL[Val1543Glu]NNAKTHGDTR